The following is an entry in ClinVar:

ClinVar aggregate classification (germline): Uncertain significance (1 of 4 stars; one submission).

gnomAD v4.1: 3 of 1,613,528 alleles (0.00019%); highest among the groups gnomAD compares: African/African-American, 0.004%; no homozygotes.

Submission:

Labcorp Genetics (formerly Invitae), Labcorp
Classification: Uncertain significance. Last evaluated: 2025-09-25. Review status: criteria provided, single submitter. Criteria: Invitae Variant Classification Sherloc (09022015). Collection method: clinical testing. Allele origin: germline.
Comment: This sequence change replaces aspartic acid, which is acidic and polar, with glutamic acid, which is acidic and polar, at codon 385 of the COL10A1 protein (p.Asp385Glu). This variant is present in population databases (rs533520389, gnomAD 0.007%). This variant has not been reported in the literature in individuals affected with COL10A1-related conditions. An algorithm developed to predict the effect of missense changes on protein structure and function outputs the following: PolyPhen-2: "Not Available". The glutamic acid amino acid residue is found in multiple mammalian species, which suggests that this missense change does not adversely affect protein function. In summary, the available evidence is currently insufficient to determine the role of this variant in disease. Therefore, it has been classified as a Variant of Uncertain Significance.

NM_000493.4(COL10A1):c.1155T>A (p.Asp385Glu)

Genes: COL10A1 (collagen type X alpha 1 chain; minus strand), NT5DC1 (5'-nucleotidase domain containing 1; plus strand). Cytogenetic location: 6q22.1.
Variant type: single nucleotide variant.
Coding change: c.1155T>A on transcript NM_000493.4 (MANE Select); coding-DNA position 1155, T replaced by A.
Protein change: p.Asp385Glu; replaces aspartic acid 385 with glutamic acid.
Molecular consequence: missense variant. On other transcripts: intron variant (1).
Genome position (GRCh38, 1-based): chr6:116,120,961, A>T on the plus strand (T>A on the coding strand, the complement: COL10A1 is on the minus strand). VCF-style: chr6-116120961-A-T. GRCh37 (hg19) VCF-style: chr6-116442124-A-T.
Other names: c.1155T>A, p.Asp385Glu (NM_001424106.1, NM_001424107.1); c.529+3016A>T (NM_152729.3); short protein forms D385E.
Identifiers: ClinVar variation 4778330 (VCV004778330.1).